The following is an entry in ClinVar:

NM_052947.4(ALPK2):c.2636G>T (p.Ser879Ile)

Gene: ALPK2 (alpha kinase 2; minus strand). Cytogenetic location: 18q21.31.
Variant type: single nucleotide variant.
Coding change: c.2636G>T on transcript NM_052947.4 (MANE Select); coding-DNA position 2636, G replaced by T.
Protein change: p.Ser879Ile; replaces serine 879 with isoleucine.
Molecular consequence: missense variant.
Genome position (GRCh38, 1-based): chr18:58,537,551, C>A on the plus strand (G>T on the coding strand, the complement: ALPK2 is on the minus strand). VCF-style: chr18-58537551-C-A. GRCh37 (hg19) VCF-style: chr18-56204783-C-A.
Other names: short protein forms S879I.
Identifiers: ClinVar variation 3529705 (VCV003529705.1).

ClinVar aggregate classification (germline): Uncertain significance (1 of 4 stars; one submission).

gnomAD v4.1: 1 of 1,614,010 alleles (0.000062%); highest among the groups gnomAD compares: East Asian, 0.0022%; no homozygotes.

Submission:

Ambry Genetics
Classification: Uncertain significance. Last evaluated: 2024-11-15. Review status: criteria provided, single submitter. Criteria: Ambry Variant Classification Scheme 2023. Collection method: clinical testing. Allele origin: germline.
Comment: The p.S879I variant (also known as c.2636G>T), located in coding exon 4 of the ALPK2 gene, results from a G to T substitution at nucleotide position 2636. The serine at codon 879 is replaced by isoleucine, an amino acid with dissimilar properties. This amino acid position is conserved. In addition, this alteration is predicted to be tolerated by in silico analysis. Based on the available evidence, the clinical significance of this variant remains unclear.